The following is an entry in ClinVar:

NM_000263.4(NAGLU):c.384-2A>G

Gene: NAGLU (N-acetyl-alpha-glucosaminidase; plus strand). Cytogenetic location: 17q21.2.
Variant type: single nucleotide variant.
Coding change: c.384-2A>G on transcript NM_000263.4 (MANE Select); the canonical splice acceptor site of the intron before coding-DNA position 384, A replaced by G.
Molecular consequence: splice acceptor variant.
Genome position (GRCh38, 1-based): chr17:42,537,396, A>G. VCF-style: chr17-42537396-A-G. GRCh37 (hg19) VCF-style: chr17-40689414-A-G.
Identifiers: ClinVar variation 4081749 (VCV004081749.1).

ClinVar aggregate classification (germline): Likely pathogenic (1 of 4 stars; one submission).

Conditions:
Mucopolysaccharidosis, MPS-III-B (MPS3B). Also called: N-ACETYL-ALPHA-D-GLUCOSAMINIDASE DEFICIENCY; NAGLU DEFICIENCY; SANFILIPPO SYNDROME B; MPS III B; MPS IIIB (Sanfilippo Syndrome Type B); MUCOPOLYSACCHARIDOSIS, TYPE IIIB. Identifiers: Orphanet 79270, MedGen C0086648, MONDO:0009656, OMIM 252920.

Submission:

Myriad Genetics, Inc.
Classification: Likely pathogenic for Mucopolysaccharidosis, MPS-III-B. Last evaluated: 2025-07-07. Review status: criteria provided, single submitter. Criteria: Myriad Autosomal Dominant, Autosomal Recessive and X-Linked Classification Criteria (2023). Collection method: clinical testing. Allele origin: unknown.
Comment: NM_000263.3(NAGLU):c.384-2A>G is a variant in a canonical splice site classified as likely pathogenic in the context of mucopolysaccharidosis type IIIB. c.384-2A>G has not been observed in cases with relevant disease. Relevant functional assessments of this variant are not available in the literature. c.384-2A>G has not been observed in referenced population frequency databases. In summary, NM_000263.3(NAGLU):c.384-2A>G is a variant in a canonical splice site in a gene where loss of function is a known mechanism of disease and is predicted to disrupt protein function. Please note: this variant was assessed in the context of healthy population screening.